The following is an entry in ClinVar:

NM_017802.4(DNAAF5):c.1739A>G (p.His580Arg)

Gene: DNAAF5 (dynein axonemal assembly factor 5; plus strand). Cytogenetic location: 7p22.3.
Variant type: single nucleotide variant.
Coding change: c.1739A>G on transcript NM_017802.4 (MANE Select); coding-DNA position 1739, A replaced by G.
Protein change: p.His580Arg; replaces histidine 580 with arginine.
Molecular consequence: missense variant. On other transcripts: non-coding transcript variant (1).
Genome position (GRCh38, 1-based): chr7:763,930, A>G. VCF-style: chr7-763930-A-G. GRCh37 (hg19) VCF-style: chr7-803567-A-G.
Other names: c.1739A>G (NM_017802.3); short protein forms H580R.
Identifiers: ClinVar variation 1383417 (VCV001383417.4), dbSNP rs762336859, ClinGen allele CA4110838.
Genomic context (GRCh38, chr7:763,930, plus strand): 5'-GCAAGCACATTGGTCCCCTCCTGGAGCGGGTGACCGCGTCGCACCTTGACTGGACCGCAC[A>G]CTCGCCGGAGCTCCTGCAGTTCAGTGTCATCGTCGCACAGTCAGGTGAGCCGTCCCGACA-3'
Protein context (NP_060272.3, residues 570-590): VTASHLDWTA[His580Arg]SPELLQFSVI

ClinVar aggregate classification (germline): Uncertain significance. Review status: criteria provided, multiple submitters, no conflicts (2 of 4 stars). 2 submissions from 2 submitters: Uncertain significance (2). Last evaluated 2024-09-09.

Conditions:
Primary ciliary dyskinesia. Also called: Ciliary dyskinesia. Identifiers: Orphanet 244, MedGen C0008780, MONDO:0016575, HP:0012265.

Allele frequency attached by ClinVar (database versions not stated): ExAC 0.00001; gnomAD 0.00001 and 0.00002; gnomAD exomes 0.00001 and 0.00002; TOPMed 0.00002.
gnomAD v4.1: 13 of 1,608,896 alleles (0.00081%); highest among the groups gnomAD compares: Admixed American, 0.0083%; no homozygotes.

Submissions (2):

Ambry Genetics
Classification: Uncertain significance for Primary ciliary dyskinesia. Last evaluated: 2024-09-09. Review status: criteria provided, single submitter. Criteria: Ambry Variant Classification Scheme 2023. Collection method: clinical testing. Allele origin: germline.

Labcorp Genetics (formerly Invitae), Labcorp
Classification: Uncertain significance for Primary ciliary dyskinesia. Last evaluated: 2021-08-11. Review status: criteria provided, single submitter. Criteria: Invitae Variant Classification Sherloc (09022015). Collection method: clinical testing. Allele origin: germline.
Comment: This sequence change replaces histidine with arginine at codon 580 of the DNAAF5 protein (p.His580Arg). The histidine residue is weakly conserved and there is a small physicochemical difference between histidine and arginine. This variant is present in population databases (rs762336859, ExAC 0.009%). This variant has not been reported in the literature in individuals affected with DNAAF5-related conditions. Algorithms developed to predict the effect of missense changes on protein structure and function (SIFT, PolyPhen-2, Align-GVGD) all suggest that this variant is likely to be tolerated. In summary, the available evidence is currently insufficient to determine the role of this variant in disease. Therefore, it has been classified as a Variant of Uncertain Significance.